The following is an entry in ClinVar:

ClinVar aggregate classification (germline): Uncertain significance. Review status: criteria provided, multiple submitters, no conflicts (2 of 4 stars). 10 submissions from 10 submitters: Uncertain significance (10). Last evaluated 2025-12-28.

Conditions:
Classic or attenuated familial adenomatous polyposis. Identifiers: MedGen CN372698, MONDO:0021057.
APC-related disorder. Also called: APC-related condition.
Hereditary cancer-predisposing syndrome. Also called: Neoplastic Syndromes, Hereditary; Tumor predisposition; Hereditary Cancer Syndrome; Hereditary neoplastic syndrome. Identifiers: Orphanet 140162, MedGen C0027672, MeSH D009386, MONDO:0015356.
Familial adenomatous polyposis 1 (FAP1). Also called: FAMILIAL ADENOMATOUS POLYPOSIS 1, ATTENUATED; POLYPOSIS, ADENOMATOUS INTESTINAL. Identifiers: MedGen C2713442, MONDO:0021056, OMIM 175100. Disease mechanism: loss of function.

Allele frequency attached by ClinVar (database versions not stated): gnomAD 0.00001; gnomAD exomes 0.00001; TOPMed 0.00001.
gnomAD v4.1: 6 of 1,601,826 alleles (0.00037%); highest among the groups gnomAD compares: Admixed American, 0.0069%; no homozygotes.

Submissions (10):

Labcorp Genetics (formerly Invitae), Labcorp
Classification: Uncertain significance for Familial adenomatous polyposis 1. Last evaluated: 2025-12-28. Review status: criteria provided, single submitter. Criteria: Invitae Variant Classification Sherloc (09022015). Collection method: clinical testing. Allele origin: germline.
Comment: This sequence change replaces serine, which is neutral and polar, with asparagine, which is neutral and polar, at codon 2797 of the APC protein (p.Ser2797Asn). This variant is not present in population databases (gnomAD no frequency). This variant has not been reported in the literature in individuals affected with APC-related conditions. ClinVar contains an entry for this variant (Variation ID: 411502). Invitae Evidence Modeling of protein sequence and biophysical properties (such as structural, functional, and spatial information, amino acid conservation, physicochemical variation, residue mobility, and thermodynamic stability) indicates that this missense variant is not expected to disrupt APC protein function with a negative predictive value of 95%. In summary, the available evidence is currently insufficient to determine the role of this variant in disease. Therefore, it has been classified as a Variant of Uncertain Significance.

Ambry Genetics
Classification: Uncertain significance for Hereditary cancer-predisposing syndrome. Last evaluated: 2025-10-27. Review status: criteria provided, single submitter. Criteria: Ambry Variant Classification Scheme 2023. Collection method: clinical testing. Allele origin: germline.
Comment: The p.S2797N variant (also known as c.8390G>A), located in coding exon 15 of the APC gene, results from a G to A substitution at nucleotide position 8390. The serine at codon 2797 is replaced by asparagine, an amino acid with highly similar properties. This amino acid position is not well conserved in available vertebrate species. In addition, in silico predictors for this gene do not accurately predict pathogenicity. Since supporting evidence is limited at this time, the clinical significance of this alteration remains unclear.

PreventionGenetics, part of Exact Sciences
Classification: Uncertain significance for APC-related condition. Last evaluated: 2025-07-02. Review status: criteria provided, single submitter. Criteria: ACMG Guidelines, 2015. Collection method: clinical testing. Allele origin: germline.
Comment: The APC c.8390G>A variant is predicted to result in the amino acid substitution p.Ser2797Asn. To our knowledge, this variant has not been reported in the literature or in a large population database (gnomAD), indicating this variant is rare. This variant has an interpretation of uncertain significance in ClinVar. At this time, the clinical significance of this variant is uncertain due to the absence of conclusive functional and genetic evidence.

Color Diagnostics, LLC DBA Color Health
Classification: Uncertain significance for Hereditary cancer-predisposing syndrome. Last evaluated: 2024-03-06. Review status: criteria provided, single submitter. Criteria: ACMG Guidelines, 2015. Collection method: clinical testing. Allele origin: germline.
Comment: This missense variant replaces serine with asparagine at codon 2797 of the APC protein. Computational prediction suggests that this variant may not impact protein structure and function (internally defined REVEL score threshold <= 0.5, PMID: 27666373). To our knowledge, functional studies have not been reported for this variant. This variant has not been reported in individuals affected with APC-related disorders in the literature. This variant has not been identified in the general population by the Genome Aggregation Database (gnomAD). The available evidence is insufficient to determine the role of this variant in disease conclusively. Therefore, this variant is classified as a Variant of Uncertain Significance.

Baylor Genetics
Classification: Uncertain significance for Familial adenomatous polyposis 1. Last evaluated: 2024-01-23. Review status: criteria provided, single submitter. Criteria: ACMG Guidelines, 2015. Collection method: clinical testing. Allele origin: unknown.

All of Us Research Program, National Institutes of Health
Classification: Uncertain significance for Classic or attenuated familial adenomatous polyposis. Last evaluated: 2023-11-20. Review status: criteria provided, single submitter. Criteria: ACMG Guidelines, 2015. Collection method: clinical testing. Allele origin: germline. Inheritance: Autosomal dominant inheritance. Observed: 1 variant allele, 1 heterozygote.
Comment: This missense variant replaces serine with asparagine at codon 2797 of the APC protein. Computational prediction suggests that this variant may not impact protein structure and function (internally defined REVEL score threshold <= 0.5, PMID: 27666373). To our knowledge, functional studies have not been reported for this variant. This variant has not been reported in individuals affected with APC-related disorders in the literature. This variant has not been identified in the general population by the Genome Aggregation Database (gnomAD). The available evidence is insufficient to determine the role of this variant in disease conclusively. Therefore, this variant is classified as a Variant of Uncertain Significance.

This study involves interpretation of variants in research participants for the purpose of population health screening. Participant phenotype was not available at the time of variant classification. Additional details can be found in publication PMID: 35346344, PMCID: PMC8962531

GeneDx
Classification: Uncertain significance. Last evaluated: 2023-10-16. Review status: criteria provided, single submitter. Criteria: GeneDx Variant Classification Process June 2021. Collection method: clinical testing. Allele origin: germline. Affected: yes.
Comment: Has not been previously published as pathogenic or benign to our knowledge; Not observed at significant frequency in large population cohorts (gnomAD); In silico analysis supports that this missense variant does not alter protein structure/function; This variant is associated with the following publications: (PMID: 18199528)

Women's Health and Genetics/Laboratory Corporation of America, LabCorp
Classification: Uncertain significance. Last evaluated: 2022-12-15. Review status: criteria provided, single submitter. Criteria: LabCorp Variant Classification Summary - May 2015. Collection method: clinical testing. Allele origin: germline.

Sema4
Classification: Uncertain significance for Hereditary cancer-predisposing syndrome. Last evaluated: 2021-12-23. Review status: criteria provided, single submitter. Criteria: Sema4 Curation Guidelines. Collection method: curation. Allele origin: germline.
Comment: The APC c.8390G>A (p.S2797N) variant has not been reported in literature to our knowledge. This variant was not observed in the large and broad cohorts of the Genome Aggregation Database (PMID: 32461654). This variant has been reported in ClinVar (Variation ID: 411502). Functional studies have not been performed, and in silico predictions of the variant's effect on protein function are inconclusive. The evidence is insufficient to meet ACMG/AMP criteria for classifying the variant as benign or pathogenic. Thus, the clinical significance of this variant is currently uncertain.

Quest Diagnostics Nichols Institute San Juan Capistrano
Classification: Uncertain significance. Last evaluated: 2017-06-13. Review status: criteria provided, single submitter. Criteria: Quest Diagnostics criteria. Collection method: clinical testing. Allele origin: germline.

NM_000038.6(APC):c.8390G>A (p.Ser2797Asn)

Gene: APC (APC regulator of Wnt signaling pathway; plus strand). Cytogenetic location: 5q22.2.
Variant type: single nucleotide variant.
Coding change: c.8390G>A on transcript NM_000038.6 (MANE Select); coding-DNA position 8390, G replaced by A.
Protein change: p.Ser2797Asn; replaces serine 2797 with asparagine.
Molecular consequence: missense variant.
Genome position (GRCh38, 1-based): chr5:112,843,984, G>A. VCF-style: chr5-112843984-G-A. GRCh37 (hg19) VCF-style: chr5-112179681-G-A.
Other names: c.8390G>A, p.Ser2797Asn (NM_001127510.3, NM_001354895.2); c.8336G>A, p.Ser2779Asn (NM_001127511.3); c.8444G>A, p.Ser2815Asn (NM_001354896.2); c.8420G>A, p.Ser2807Asn (NM_001354897.2); c.8315G>A, p.Ser2772Asn (NM_001354898.2); c.8306G>A, p.Ser2769Asn (NM_001354899.2); c.8267G>A, p.Ser2756Asn (NM_001354900.2); c.8213G>A, p.Ser2738Asn (NM_001354901.2); and 5 more; short protein forms S2779N, S2797N, S2772N, S2815N, S2671N, S2696N, S2756N, S2769N.
Identifiers: ClinVar variation 411502 (VCV000411502.27), dbSNP rs1060503339, ClinGen allele CA16039541.
Genomic context (GRCh38, chr5:112,843,984, plus strand): 5'-TTGCTGCCAGAGTGACTCCTTTTAATTACAACCCAAGCCCTAGGAAAAGCAGCGCAGATA[G>A]CACTTCAGCTCGGCCATCTCAGATCCCAACTCCAGTGAATAACAACACAAAGAAGCGAGA-3'
Protein context (NP_000029.2, residues 2787-2807): NPSPRKSSAD[Ser2797Asn]TSARPSQIPT